The following is an entry in ClinVar:

NM_001105206.3(LAMA4):c.103G>C (p.Asp35His)

Genes: LAMA4 (laminin subunit alpha 4; minus strand), LAMA4-AS1 (LAMA4 antisense RNA 1; plus strand). Cytogenetic location: 6q21.
Variant type: single nucleotide variant.
Coding change: c.103G>C on transcript NM_001105206.3 (MANE Select); coding-DNA position 103, G replaced by C.
Protein change: p.Asp35His; replaces aspartic acid 35 with histidine.
Molecular consequence: missense variant.
Genome position (GRCh38, 1-based): chr6:112,254,048, C>G on the plus strand (G>C on the coding strand, the complement: LAMA4 is on the minus strand). VCF-style: chr6-112254048-C-G. GRCh37 (hg19) VCF-style: chr6-112575250-C-G.
Other names: c.103G>C, p.Asp35His (NM_001105207.3, NM_001105208.3, NM_001105209.3 and 1 more transcripts); short protein forms D35H.
Identifiers: ClinVar variation 1721572 (VCV001721572.5), dbSNP rs1554190498, ClinGen allele CA365518838.

ClinVar aggregate classification (germline): Uncertain significance (1 of 4 stars; one submission).

Conditions:
Dilated cardiomyopathy 1JJ (CMD1JJ). Identifiers: Orphanet 154, MedGen C3808935, MONDO:0014095, OMIM 615235.

gnomAD v4.1: 1 of 1,603,338 alleles (0.000062%); highest among the groups gnomAD compares: East Asian, 0.0022%; no homozygotes.

Submission:

Labcorp Genetics (formerly Invitae), Labcorp
Classification: Uncertain significance for Dilated cardiomyopathy 1JJ. Last evaluated: 2022-07-23. Review status: criteria provided, single submitter. Criteria: Invitae Variant Classification Sherloc (09022015). Collection method: clinical testing. Allele origin: germline.
Comment: In summary, the available evidence is currently insufficient to determine the role of this variant in disease. Therefore, it has been classified as a Variant of Uncertain Significance. Algorithms developed to predict the effect of missense changes on protein structure and function are either unavailable or do not agree on the potential impact of this missense change (SIFT: "Deleterious"; PolyPhen-2: "Probably Damaging"; Align-GVGD: "Class C0"). This variant has not been reported in the literature in individuals affected with LAMA4-related conditions. This variant is not present in population databases (gnomAD no frequency). This sequence change replaces aspartic acid, which is acidic and polar, with histidine, which is basic and polar, at codon 35 of the LAMA4 protein (p.Asp35His).